The following is an entry in ClinVar:

ClinVar aggregate classification (germline): Pathogenic (1 of 4 stars; one submission).

Conditions:
Inborn genetic diseases. Identifiers: MedGen C0950123, MeSH D030342.

Submission:

Ambry Genetics
Classification: Pathogenic for Inborn genetic diseases. Last evaluated: 2023-08-16. Review status: criteria provided, single submitter. Criteria: Ambry Variant Classification Scheme 2023. Collection method: clinical testing. Allele origin: germline.
Comment: The c.2575_2576delCA (p.H859Cfs*15) alteration, located in exon 5 of the NSD1 gene, consists of a deletion of 2 nucleotides from position 2575 to 2576, causing a translational frameshift with a predicted alternate stop codon after 15 amino acids. This alteration is expected to result in loss of function by premature protein truncation or nonsense-mediated mRNA decay. This variant was not reported in population-based cohorts in the Genome Aggregation Database (gnomAD). Based on the available evidence, this alteration is classified as pathogenic.

NM_022455.5(NSD1):c.2575_2576del (p.His859fs)

Gene: NSD1 (nuclear receptor binding SET domain protein 1; plus strand). Cytogenetic location: 5q35.3.
Variant type: Deletion.
Coding change: c.2575_2576del on transcript NM_022455.5 (MANE Select); coding-DNA positions 2575 to 2576, 2 bases deleted (CA; older notation c.2575_2576delCA).
Protein change: p.His859fs; shifts the reading frame from histidine 859.
Molecular consequence: frameshift variant.
Genome position (GRCh38, 1-based): chr5:177,210,974-177,210,975, CA deleted; deleting any 2 consecutive bases within chr5:177,210,973-177,210,975 gives the same sequence; the c. name uses the placement nearest the transcript's 3' end. VCF-style (leftmost placement, unchanged base first): chr5-177210972-AAC-A. GRCh37 (hg19) VCF-style: chr5-176637973-AAC-A.
Other names: c.1702_1703delCA, p.His568Cysfs (NM_001365684.2, NM_001409306.1, NM_001409307.1 and 3 more transcripts); c.2575_2576delCA, p.His859Cysfs (NM_001409301.1, NM_001409302.1, NM_001409303.1); c.2155_2156delCA, p.His719Cysfs (NM_001409304.1); c.1822_1823delCA, p.His608Cysfs (NM_001409305.1); short protein forms H859fs, H590fs.
Identifiers: ClinVar variation 1793294 (VCV001793294.2), dbSNP rs2480456198, ClinGen allele CA2580074119.